The following is an entry in ClinVar:

NM_000090.4(COL3A1):c.1663-4T>C

Gene: COL3A1 (collagen type III alpha 1 chain; plus strand). Cytogenetic location: 2q32.2.
Variant type: single nucleotide variant.
Coding change: c.1663-4T>C on transcript NM_000090.4 (MANE Select); 4 bases into the intron before coding-DNA position 1663, T replaced by C.
Molecular consequence: intron variant.
Genome position (GRCh38, 1-based): chr2:188,996,394, T>C. VCF-style: chr2-188996394-T-C. GRCh37 (hg19) VCF-style: chr2-189861120-T-C.
Identifiers: ClinVar variation 3074253 (VCV003074253.1), dbSNP rs952413096, ClinGen allele CA62597831.
Genomic context (GRCh38, chr2:188,996,394, plus strand): 5'-TATATATAGCATGCTTTAATCTTCTCTTTATCAAACCTTTATTAATGTAATTTTTTCTTA[T>C]TAGGGAAGTCAAGGAGAAAGTGGTCGACCAGGTCCTCCTGGGCCATCTGGTCCCCGAGGT-3'

ClinVar aggregate classification (germline): Likely benign (1 of 4 stars; one submission).

Conditions:
Ehlers-Danlos syndrome, type 4 (EDSVASC). Also called: Ehlers-Danlos Syndrome Type IV; Ehlers-Danlos syndrome vascular type; Ehlers Danlos syndrome, ecchymotic type; Ehlers Danlos syndrome, arterial type; Ehlers Danlos syndrome, Sack-Barabas type. Identifiers: Orphanet 286, MedGen C0268338, MONDO:0017314, OMIM 130050.

Allele frequency attached by ClinVar (database versions not stated): gnomAD exomes below 0.00001.
gnomAD v4.1: 1 of 1,612,070 alleles (0.000062%); highest among the groups gnomAD compares: Non-Finnish European, 0.000085%; no homozygotes.

Submission:

All of Us Research Program, National Institutes of Health
Classification: Likely benign for Ehlers-Danlos syndrome, type 4. Last evaluated: 2023-11-02. Review status: criteria provided, single submitter. Criteria: ACMG Guidelines, 2015. Collection method: clinical testing. Allele origin: germline. Inheritance: Autosomal dominant inheritance. Observed: 1 variant allele, 1 heterozygote.
Comment: This study involves interpretation of variants in research participants for the purpose of population health screening. Participant phenotype was not available at the time of variant classification. Additional details can be found in publication PMID: 35346344, PMCID: PMC8962531